The following is an entry in ClinVar:

NM_174936.4(PCSK9):c.1297C>T (p.Gln433Ter)

Gene: PCSK9 (proprotein convertase subtilisin/kexin type 9; plus strand). Cytogenetic location: 1p32.3.
Variant type: single nucleotide variant.
Coding change: c.1297C>T on transcript NM_174936.4 (MANE Select); coding-DNA position 1297, C replaced by T.
Protein change: p.Gln433Ter; replaces glutamine 433 with a stop codon.
Molecular consequence: nonsense. On other transcripts: non-coding transcript variant (8), intron variant (2).
Genome position (GRCh38, 1-based): chr1:55,058,152, C>T. VCF-style: chr1-55058152-C-T. GRCh37 (hg19) VCF-style: chr1-55523825-C-T.
Other names: c.1420C>T, p.Gln474Ter (NM_001407240.1); c.1297C>T, p.Gln433Ter (NM_001407241.1); c.1300C>T, p.Gln434Ter (NM_001407242.1); c.1240C>T, p.Gln414Ter (NM_001407243.1); c.1105C>T, p.Gln369Ter (NM_001407245.1); c.922C>T, p.Gln308Ter (NM_001407246.1); c.1181-347C>T (NM_001407244.1); c.1180+638C>T (NM_001407247.1); short protein forms Q308*, Q434*, Q474*, Q369*, Q433*, Q414*.
Identifiers: ClinVar variation 2857353 (VCV002857353.3), dbSNP rs2523260089, ClinGen allele CA340477443.
Genomic context (GRCh38, chr1:55,058,152, plus strand): 5'-CAGAGACTGATCCACTTCTCTGCCAAAGATGTCATCAATGAGGCCTGGTTCCCTGAGGAC[C>T]AGCGGGTACTGACCCCCAACCTGGTGGCCGCCCTGCCCCCCAGCACCCATGGGGCAGGTA-3'

ClinVar aggregate classification (germline): Uncertain significance (1 of 4 stars; one submission).

Conditions:
Hypercholesterolemia, autosomal dominant, 3 (FHCL3). Also called: Familial Hypercholesterolemia, Autosomal Dominant, 3; PCSK9-Related Familial Hypercholesterolemia, Autosomal Dominant; Familial hypercholesterolemia 3. Identifiers: MedGen C1863551, MONDO:0011369, OMIM 603776.

Submission:

Labcorp Genetics (formerly Invitae), Labcorp
Classification: Uncertain significance for Hypercholesterolemia, autosomal dominant, 3. Last evaluated: 2023-04-18. Review status: criteria provided, single submitter. Criteria: Invitae Variant Classification Sherloc (09022015). Collection method: clinical testing. Allele origin: germline.
Comment: In summary, the available evidence is currently insufficient to determine the role of this variant in disease. Therefore, it has been classified as a Variant of Uncertain Significance. This variant has not been reported in the literature in individuals affected with PCSK9-related conditions. This variant is not present in population databases (gnomAD no frequency). This sequence change creates a premature translational stop signal (p.Gln433*) in the PCSK9 gene. It is expected to result in an absent or disrupted protein product. However, the current clinical and genetic evidence is not sufficient to establish whether loss-of-function variants in PCSK9 cause disease.